The following is an entry in ClinVar:

ClinVar aggregate classification (germline): Benign. Review status: criteria provided, multiple submitters, no conflicts (2 of 4 stars). 4 submissions from 4 submitters: Benign (3). 1 of the submissions does not count toward it. Last evaluated 2021-09-05.

Conditions:
Microcephaly 1, primary, autosomal recessive (MCPH1). Also called: PREMATURE CHROMOSOME CONDENSATION SYNDROME; PCC SYNDROME; PREMATURE CHROMOSOME CONDENSATION WITH MICROCEPHALY AND MENTAL RETARDATION. Identifiers: Orphanet 2512, MedGen C1855081, MONDO:0009617, OMIM 251200.

Allele frequency attached by ClinVar (database versions not stated): gnomAD exomes 0.22822 and 0.25074; ExAC 0.25536; ESP Exome Variant Server 0.32690; gnomAD 0.32909 and 0.33312; TOPMed 0.34876; 1000 Genomes Project 0.37200; 1000 Genomes Project 30x 0.37836.
gnomAD v4.1: 375,258 of 1,569,786 alleles (24%); highest among the groups gnomAD compares: African/African-American, 61%; 51,439 homozygotes.

Submissions (4):

Genome-Nilou Lab
Classification: Benign for Microcephaly 1, primary, autosomal recessive. Last evaluated: 2021-09-05. Review status: criteria provided, single submitter. Criteria: ACMG Guidelines, 2015. Collection method: clinical testing. Allele origin: germline. Affected: no.

GeneDx
Classification: Benign. Last evaluated: 2018-07-03. Review status: criteria provided, single submitter. Criteria: GeneDx Variant Classification Process June 2021. Collection method: clinical testing. Allele origin: germline. Affected: yes.

Breakthrough Genomics
Classification: Benign. Review status: criteria provided, single submitter. Criteria: ACMG Guidelines, 2015. Collection method: not provided. Allele origin: germline. Inheritance: Autosomal recessive inheritance. Affected: yes.

Genetic Services Laboratory, University of Chicago
Classification: Likely benign. Review status: no assertion criteria provided. Collection method: clinical testing. Allele origin: germline. Inheritance: Autosomal recessive inheritance. Not counted in ClinVar's aggregate classification.
Comment: Likely benign based on allele frequency in 1000 Genomes Project or ESP global frequency and its presence in a patient with a rare or unrelated disease phenotype. NOT Sanger confirmed

NM_024596.5(MCPH1):c.23-26G>A

Gene: MCPH1 (microcephalin 1; plus strand). Cytogenetic location: 8p23.1.
Variant type: single nucleotide variant.
Coding change: c.23-26G>A on transcript NM_024596.5 (MANE Select); 26 bases into the intron before coding-DNA position 23, G replaced by A.
Molecular consequence: intron variant.
Genome position (GRCh38, 1-based): chr8:6,409,253, G>A. VCF-style: chr8-6409253-G-A. GRCh37 (hg19) VCF-style: chr8-6266774-G-A.
Other names: c.23-26G>A (NM_001322042.2, NM_001363980.2, NM_001363979.1 and 2 more transcripts); c.23-32G>A (NM_001322043.2); c.-80-26G>A (NM_001322045.2).
Identifiers: ClinVar variation 158854 (VCV000158854.12), dbSNP rs1550697, ClinGen allele CA172528.
Genomic context (GRCh38, chr8:6,409,253, plus strand): 5'-CTCTTAAATGTAAATAGAACAAAATCTATTGGGCAGGGGATGCTGGAATTTCAAATGTAT[G>A]TTTCATGTTCATATCTTGTTTTCAGATGTAGTGGCCTATGTTGAAGTGTGGTCATCCAAT-3'